The following is an entry in ClinVar:

NM_001356.5(DDX3X):c.959T>C (p.Leu320Ser)

Gene: DDX3X (DEAD-box helicase 3 X-linked; plus strand). Cytogenetic location: Xp11.4.
Variant type: single nucleotide variant.
Coding change: c.959T>C on transcript NM_001356.5 (MANE Select); coding-DNA position 959, T replaced by C.
Protein change: p.Leu320Ser; replaces leucine 320 with serine.
Molecular consequence: missense variant. On other transcripts: non-coding transcript variant (1).
Genome position (GRCh38, 1-based): chrX:41,344,333, T>C. VCF-style: chrX-41344333-T-C. GRCh37 (hg19) VCF-style: chrX-41203586-T-C.
Other names: c.959T>C, p.Leu320Ser (NM_001193416.3); c.911T>C, p.Leu304Ser (NM_001193417.3); c.401T>C, p.Leu134Ser (NM_001363819.1); short protein forms L134S, L304S, L320S.
Identifiers: ClinVar variation 2833342 (VCV002833342.3), dbSNP rs2519515262, ClinGen allele CA412771053.

ClinVar aggregate classification (germline): Uncertain significance (1 of 4 stars; one submission).

Submission:

Labcorp Genetics (formerly Invitae), Labcorp
Classification: Uncertain significance. Last evaluated: 2023-01-31. Review status: criteria provided, single submitter. Criteria: Invitae Variant Classification Sherloc (09022015). Collection method: clinical testing. Allele origin: germline.
Comment: In summary, the available evidence is currently insufficient to determine the role of this variant in disease. Therefore, it has been classified as a Variant of Uncertain Significance. Algorithms developed to predict the effect of missense changes on protein structure and function are either unavailable or do not agree on the potential impact of this missense change (SIFT: "Deleterious"; PolyPhen-2: "Not Available"; Align-GVGD: "Class C65"). This variant has not been reported in the literature in individuals affected with DDX3X-related conditions. This variant is not present in population databases (gnomAD no frequency). This sequence change replaces leucine, which is neutral and non-polar, with serine, which is neutral and polar, at codon 320 of the DDX3X protein (p.Leu320Ser).